The following is an entry in ClinVar:

NM_006421.5(ARFGEF1):c.3142C>A (p.Leu1048Met)

Gene: ARFGEF1 (ARF guanine nucleotide exchange factor 1; minus strand). Cytogenetic location: 8q13.2.
Variant type: single nucleotide variant.
Coding change: c.3142C>A on transcript NM_006421.5 (MANE Select); coding-DNA position 3142, C replaced by A.
Protein change: p.Leu1048Met; replaces leucine 1048 with methionine.
Molecular consequence: missense variant. On other transcripts: non-coding transcript variant (1).
Genome position (GRCh38, 1-based): chr8:67,238,490, G>T on the plus strand (C>A on the coding strand, the complement: ARFGEF1 is on the minus strand). VCF-style: chr8-67238490-G-T. GRCh37 (hg19) VCF-style: chr8-68150725-G-T.
Other names: c.3142C>A, p.Leu1048Met (NM_001413184.1, NM_001413185.1, NM_001413186.1 and 6 more transcripts); c.2542C>A, p.Leu848Met (NM_001413188.1, NM_001413193.1, NM_001413197.1); c.3136C>A, p.Leu1046Met (NM_001413190.1); c.1717C>A, p.Leu573Met (NM_001413196.1); short protein forms L1046M, L1048M, L573M, L848M.
Identifiers: ClinVar variation 4686158 (VCV004686158.1).
Genomic context (GRCh38, chr8:67,238,490, plus strand): 5'-ATCGAGGTTTCACTCCAGTTCCTATAAGCTGTGCCAGCTCCAACTGACTGATGCACTTCA[G>T]AATCTTAATTACAAAAAGGAAAAAAATGTTAAATTCCATGTTAAAAATATCTTCAAAAAG-3'
Protein context (NP_006412.2, residues 1038-1058): NYLGNSWHEI[Leu1048Met]KCISQLELAQ

ClinVar aggregate classification (germline): Uncertain significance (1 of 4 stars; one submission).

Submission:

GeneDx
Classification: Uncertain significance. Last evaluated: 2025-07-15. Review status: criteria provided, single submitter. Criteria: GeneDx Variant Classification Process June 2021. Collection method: clinical testing. Allele origin: germline. Affected: yes.
Comment: Not observed at significant frequency in large population cohorts (gnomAD); In silico analysis supports that this missense variant does not alter protein structure/function; Has not been previously published as pathogenic or benign to our knowledge